The following is an entry in ClinVar:

NM_001370785.2(LRRC7):c.2187G>A (p.Ser729=)

Genes: LRRC7 (leucine rich repeat containing 7; plus strand), LRRC7-AS1 (LRRC7 antisense RNA 1; minus strand). Cytogenetic location: 1p31.1.
Variant type: single nucleotide variant.
Coding change: c.2187G>A on transcript NM_001370785.2 (MANE Select); coding-DNA position 2187, G replaced by A.
Protein change: p.Ser729=; no amino-acid change (serine 729 retained).
Molecular consequence: synonymous variant. On other transcripts: non-coding transcript variant (1).
Genome position (GRCh38, 1-based): chr1:70,036,523, G>A. VCF-style: chr1-70036523-G-A. GRCh37 (hg19) VCF-style: chr1-70502206-G-A.
Other names: c.2088G>A, p.Ser696= (NM_001330635.3, NM_001366841.1); c.2190G>A, p.Ser730= (NM_001350216.3); c.2187G>A, p.Ser729= (NM_001366838.3); c.2028G>A, p.Ser676= (NM_001366839.3).
Identifiers: ClinVar variation 4872683 (VCV004872683.2).

ClinVar aggregate classification (germline): Likely benign (1 of 4 stars; one submission).

gnomAD v4.1: 6 of 1,613,908 alleles (0.00037%); highest among the groups gnomAD compares: Admixed American, 0.005%; no homozygotes.

Submission:

CeGaT Center for Human Genetics Tuebingen
Classification: Likely benign. Last evaluated: 2026-06-01. Review status: criteria provided, single submitter. Criteria: CeGaT Center For Human Genetics Tuebingen Variant Classification Criteria Version 2. Collection method: clinical testing. Allele origin: germline. Affected: yes. Observed: 1 variant allele.
Comment: LRRC7: BP4, BP7